The following is an entry in ClinVar:

ClinVar aggregate classification (germline): Uncertain significance (1 of 4 stars; one submission).

Submission:

Labcorp Genetics (formerly Invitae), Labcorp
Classification: Uncertain significance. Last evaluated: 2024-08-29. Review status: criteria provided, single submitter. Criteria: Invitae Variant Classification Sherloc (09022015). Collection method: clinical testing. Allele origin: germline.
Comment: This sequence change replaces glycine, which is neutral and non-polar, with arginine, which is basic and polar, at codon 390 of the CAMK2B protein (p.Gly390Arg). This variant is not present in population databases (gnomAD no frequency). This variant has not been reported in the literature in individuals affected with CAMK2B-related conditions. An algorithm developed to predict the effect of missense changes on protein structure and function (PolyPhen-2) suggests that this variant is likely to be disruptive. In summary, the available evidence is currently insufficient to determine the role of this variant in disease. Therefore, it has been classified as a Variant of Uncertain Significance.

NM_001220.5(CAMK2B):c.1168G>C (p.Gly390Arg)

Gene: CAMK2B (calcium/calmodulin dependent protein kinase II beta; minus strand). Cytogenetic location: 7p13.
Variant type: single nucleotide variant.
Coding change: c.1168G>C on transcript NM_001220.5 (MANE Select); coding-DNA position 1168, G replaced by C.
Protein change: p.Gly390Arg; replaces glycine 390 with arginine.
Molecular consequence: missense variant. On other transcripts: intron variant (3).
Genome position (GRCh38, 1-based): chr7:44,232,830, C>G on the plus strand (G>C on the coding strand, the complement: CAMK2B is on the minus strand). VCF-style: chr7-44232830-C-G. GRCh37 (hg19) VCF-style: chr7-44272429-C-G.
Other names: c.1168G>C, p.Gly390Arg (NM_001293170.2, NM_172078.3); c.1096G>C, p.Gly366Arg (NM_172079.3, NM_172082.3); c.1093G>C, p.Gly365Arg (NM_172080.3); c.946+7877G>C (NM_172084.3); c.988-1776G>C (NM_172083.3); c.1059+1560G>C (NM_172081.3); short protein forms G366R, G365R, G390R.
Identifiers: ClinVar variation 3663931 (VCV003663931.2).
Genomic context (GRCh38, chr7:44,232,830, plus strand): 5'-GGCCTGGAGCCTCCTGCCTGGGGAAAGCGGGAGGAGGAAAGTGGGGCAGTACCTTAATCC[C>G]GTCCACTGGGTTATGGATGACGGTGGTTTGAGGCTCCTACAGAAGAAGGAAGACACAGAG-3'
Protein context (NP_001211.3, residues 380-400): QTTVIHNPVD[Gly390Arg]IKESSDSANT